The following is an entry in ClinVar:

ClinVar aggregate classification (germline): Likely benign (1 of 4 stars; one submission).

Allele frequency attached by ClinVar (database versions not stated): ExAC 0.00168; ESP Exome Variant Server 0.00169; gnomAD 0.00195; TOPMed 0.00218; 1000 Genomes Project 0.00220; 1000 Genomes Project 30x 0.00234.
gnomAD v4.1: 2,805 of 1,613,536 alleles (0.17%); highest among the groups gnomAD compares: Admixed American, 0.51%; 8 homozygotes.

Submission:

CeGaT Center for Human Genetics Tuebingen
Classification: Likely benign. Last evaluated: 2022-07-01. Review status: criteria provided, single submitter. Criteria: CeGaT Center For Human Genetics Tuebingen Variant Classification Criteria Version 2. Collection method: clinical testing. Allele origin: germline. Affected: yes. Observed: 1 variant allele.
Comment: NOC2L: BP4, BP7

NM_015658.4(NOC2L):c.2097T>C (p.Asp699=)

Gene: NOC2L (NOC2 like nucleolar associated transcriptional repressor; minus strand). Cytogenetic location: 1p36.33.
Variant type: single nucleotide variant.
Coding change: c.2097T>C on transcript NM_015658.4 (MANE Select); coding-DNA position 2097, T replaced by C.
Protein change: p.Asp699=; no amino-acid change (aspartic acid 699 retained).
Molecular consequence: synonymous variant.
Genome position (GRCh38, 1-based): chr1:945,103, A>G on the plus strand (T>C on the coding strand, the complement: NOC2L is on the minus strand). VCF-style: chr1-945103-A-G. GRCh37 (hg19) VCF-style: chr1-880483-A-G.
Identifiers: ClinVar variation 2637976 (VCV002637976.24), dbSNP rs144656266, ClinGen allele CA503642.